The following is an entry in ClinVar:

NM_006361.6(HOXB13):c.174G>A (p.Glu58=)

Gene: HOXB13 (homeobox B13; minus strand). Cytogenetic location: 17q21.32.
Variant type: single nucleotide variant.
Coding change: c.174G>A on transcript NM_006361.6 (MANE Select); coding-DNA position 174, G replaced by A.
Protein change: p.Glu58=; no amino-acid change (glutamic acid 58 retained).
Molecular consequence: synonymous variant.
Genome position (GRCh38, 1-based): chr17:48,728,420, C>T on the plus strand (G>A on the coding strand, the complement: HOXB13 is on the minus strand). VCF-style: chr17-48728420-C-T. GRCh37 (hg19) VCF-style: chr17-46805782-C-T.
Identifiers: ClinVar variation 690594 (VCV000690594.10), dbSNP rs1597934910, ClinGen allele CA500502659.

ClinVar aggregate classification (germline): Benign/Likely benign. Review status: criteria provided, multiple submitters, no conflicts (2 of 4 stars). 3 submissions from 3 submitters: Benign (1); Likely benign (1). 1 of the submissions does not count toward it. Last evaluated 2025-06-10.

Conditions:
Prostate cancer, hereditary, 1 (HPC1). Identifiers: Orphanet 1331, MedGen C4722327, MONDO:0011098, OMIM 601518.
Prostate cancer, hereditary, 9 (HPC9). Identifiers: Orphanet 1331, MedGen C1970250, MONDO:0012597, OMIM 610997.

Allele frequency attached by ClinVar (database versions not stated): TOPMed 0.00001.

Submissions (3):

Labcorp Genetics (formerly Invitae), Labcorp
Classification: Likely benign. Last evaluated: 2025-06-10. Review status: criteria provided, single submitter. Criteria: Invitae Variant Classification Sherloc (09022015). Collection method: clinical testing. Allele origin: germline.

Myriad Genetics, Inc.
Classification: Benign for Prostate cancer, hereditary, 9. Last evaluated: 2024-10-29. Review status: criteria provided, single submitter. Criteria: Myriad Autosomal Dominant, Autosomal Recessive and X-Linked Classification Criteria (2023). Collection method: clinical testing. Allele origin: unknown.
Comment: This variant is considered benign. This variant is a silent/synonymous amino acid change and it is not expected to impact splicing.

Laboratory of Virology, Microbiology,  Quality and Medical Biotechnologies, Faculty of Sciences and Techniques - Mohammedia, Hassan II University of Casablanca
Classification: Uncertain significance for Prostate cancer, hereditary, 1. Review status: no assertion criteria provided. Collection method: clinical testing. Allele origin: somatic. Affected: yes. Not counted in ClinVar's aggregate classification.